The following is an entry in ClinVar:

ClinVar aggregate classification (germline): Uncertain significance (1 of 4 stars; one submission).

Submission:

Labcorp Genetics (formerly Invitae), Labcorp
Classification: Uncertain significance. Last evaluated: 2021-01-21. Review status: criteria provided, single submitter. Criteria: Invitae Variant Classification Sherloc (09022015). Collection method: clinical testing. Allele origin: germline.
Comment: In summary, the available evidence is currently insufficient to determine the role of this variant in disease. Therefore, it has been classified as a Variant of Uncertain Significance. Nucleotide substitutions within the consensus splice site are a relatively common cause of aberrant splicing (PMID: 17576681, 9536098). Algorithms developed to predict the effect of sequence changes on RNA splicing suggest that this variant is not likely to affect RNA splicing, but this prediction has not been confirmed by published transcriptional studies. This variant has not been reported in the literature in individuals with RBBP8-related conditions. This variant is not present in population databases (ExAC no frequency). This sequence change falls in intron 7 of the RBBP8 gene. It does not directly change the encoded amino acid sequence of the RBBP8 protein. It affects a nucleotide within the consensus splice site of the intron.

Literature cited by the submitters: PubMed 17576681; PubMed 9536098.

NM_002894.3(RBBP8):c.604+6_604+7del

Gene: RBBP8 (RB binding protein 8, endonuclease; plus strand). Cytogenetic location: 18q11.2.
Variant type: Microsatellite.
Coding change: c.604+6_604+7del on transcript NM_002894.3 (MANE Select); bases 6 to 7 of the intron after coding-DNA position 604, 2 bases deleted (AG; older notation c.604+6_604+7delAG).
Molecular consequence: intron variant.
Genome position (GRCh38, 1-based): chr18:22,982,399-22,982,400, AG deleted; deleting any 2 consecutive bases within chr18:22,982,397-22,982,400 gives the same sequence; the c. name uses the placement nearest the transcript's 3' end. VCF-style (leftmost placement, unchanged base first): chr18-22982396-AAG-A. GRCh37 (hg19) VCF-style: chr18-20562359-AAG-A.
Other names: c.604+6_604+7del (NM_203292.2, NM_203291.2).
Identifiers: ClinVar variation 1349377 (VCV001349377.6), dbSNP rs1222960014, ClinGen allele CA628978593.
Genomic context (GRCh38, chr18:22,982,396, plus strand): 5'-CATGTCCGATACATAGAACAAACACATACTAAATTGGAGCACTCTGTGTGTGCAAATGGT[AAG>A]AGTTGGAGTTGTATTTTAGTTCTCTGGTTTTGTAAACCAGTGTTCATCTACTAGTTTTTA-3'